The following is an entry in ClinVar:

ClinVar aggregate classification (germline): Pathogenic/Likely pathogenic. Review status: criteria provided, multiple submitters, no conflicts (2 of 4 stars). 5 submissions from 5 submitters: Pathogenic (4); Likely pathogenic (1). Last evaluated 2025-11-11.

Conditions:
DDX41-related hematologic malignancy predisposition syndrome. Also called: Myeloproliferative/lymphoproliferative neoplasms, familial (multiple types), susceptibility to; DDX41-Associated Familial Myelodysplastic Syndrome and Acute Myeloid Leukemia. Identifiers: Orphanet 488647, MedGen C4225174, MONDO:0014809, OMIM 616871.
DDX41-related disorder. Also called: DDX41-related condition.
Inborn genetic diseases. Identifiers: MedGen C0950123, MeSH D030342.

Allele frequency attached by ClinVar (database versions not stated): TOPMed below 0.00001; ExAC 0.00001; gnomAD 0.00001; gnomAD exomes 0.00001; 1000 Genomes Project 30x 0.00016; 1000 Genomes Project 0.00020.

Submissions (5):

Labcorp Genetics (formerly Invitae), Labcorp
Classification: Pathogenic. Last evaluated: 2025-11-11. Review status: criteria provided, single submitter. Criteria: Invitae Variant Classification Sherloc (09022015). Collection method: clinical testing. Allele origin: germline.
Comment: This sequence change creates a premature translational stop signal (p.Gln90*) in the DDX41 gene. It is expected to result in an absent or disrupted protein product. Loss-of-function variants in DDX41 are known to be pathogenic (PMID: 26712909, 27133828). This variant is present in population databases (rs199675507, gnomAD 0.002%). This variant has not been reported in the literature in individuals affected with DDX41-related conditions. ClinVar contains an entry for this variant (Variation ID: 1526312). Algorithms developed to predict the effect of sequence changes on RNA splicing suggest that this variant may disrupt the consensus splice site. For these reasons, this variant has been classified as Pathogenic.

PreventionGenetics, part of Exact Sciences
Classification: Pathogenic for DDX41-related condition. Last evaluated: 2025-02-17. Review status: criteria provided, single submitter. Criteria: ACMG Guidelines, 2015. Collection method: clinical testing. Allele origin: germline.
Comment: The DDX41 c.268C>T variant is predicted to result in premature protein termination (p.Gln90*). This variant has been reported in individuals with acute myeloid leukemia (Supplementary data, Duployez et al. 2022. PubMed ID: 35443031). This variant is reported in 0.0015% of alleles in individuals of European (Non-Finnish) descent in gnomAD. Nonsense variants in DDX41 are expected to be pathogenic. This variant is interpreted as pathogenic.

Ambry Genetics
Classification: Pathogenic for Inborn genetic diseases. Last evaluated: 2025-01-06. Review status: criteria provided, single submitter. Criteria: Ambry Variant Classification Scheme 2023. Collection method: clinical testing. Allele origin: germline.
Comment: The p.Q90* pathogenic mutation (also known as c.268C>T), located in coding exon 3 of the DDX41 gene, results from a C to T substitution at nucleotide position 268. This changes the amino acid from a glutamine to a stop codon within coding exon 3. This variant was reported in individual(s) with features consistent with DDX41-related hematologic malignancy (Duployez N et al. Blood, 2022 Aug;140:756-768). This alteration is expected to result in loss of function by premature protein truncation or nonsense-mediated mRNA decay. As such, this alteration is interpreted as a disease-causing mutation.

GeneDx
Classification: Pathogenic. Last evaluated: 2024-09-10. Review status: criteria provided, single submitter. Criteria: GeneDx Variant Classification Process June 2021. Collection method: clinical testing. Allele origin: germline. Affected: yes.
Comment: Nonsense variant predicted to result in protein truncation or nonsense mediated decay in a gene for which loss of function is a known mechanism of disease; Not observed at significant frequency in large population cohorts (gnomAD); This variant is associated with the following publications: (PMID: 36672294, 35443031)

Baylor Genetics
Classification: Likely pathogenic for DDX41-related hematologic malignancy predisposition syndrome. Last evaluated: 2023-06-01. Review status: criteria provided, single submitter. Criteria: ACMG Guidelines, 2015. Collection method: clinical testing. Allele origin: unknown.

Literature cited by the submitters: PubMed 26712909 (cited by Labcorp Genetics (formerly Invitae), Labcorp); PubMed 27133828 (cited by Labcorp Genetics (formerly Invitae), Labcorp); PubMed 35443031 (cited by Ambry Genetics).

NM_016222.4(DDX41):c.268C>T (p.Gln90Ter)

Gene: DDX41 (DEAD-box helicase 41; minus strand). Cytogenetic location: 5q35.3.
Variant type: single nucleotide variant.
Coding change: c.268C>T on transcript NM_016222.4 (MANE Select); coding-DNA position 268, C replaced by T.
Protein change: p.Gln90Ter; replaces glutamine 90 with a stop codon.
Molecular consequence: nonsense. On other transcripts: 5 prime UTR variant (2).
Genome position (GRCh38, 1-based): chr5:177,516,318, G>A on the plus strand (C>T on the coding strand, the complement: DDX41 is on the minus strand). VCF-style: chr5-177516318-G-A. GRCh37 (hg19) VCF-style: chr5-176943319-G-A.
Other names: c.-111C>T (NM_001321732.2, NM_001321830.2); c.268C>T (NM_016222.3); short protein forms Q90*.
Identifiers: ClinVar variation 1526312 (VCV001526312.13), dbSNP rs199675507, ClinGen allele CA3585293.